The following is an entry in ClinVar:

ClinVar aggregate classification (germline): Conflicting classifications of pathogenicity. Review status: criteria provided, conflicting classifications (1 of 4 stars). 3 submissions from 3 submitters: Uncertain significance (2); Likely benign (1). Last evaluated 2025-05-18.

Conditions:
Long QT syndrome (LQTS). Identifiers: MedGen C0023976, MeSH D008133, MONDO:0002442. Disease mechanism: loss of function. Inheritance: Various modes of inheritance.
Cardiovascular phenotype. Identifiers: MedGen CN230736.

Allele frequency attached by ClinVar (database versions not stated): gnomAD 0.00001; TOPMed 0.00003; ExAC 0.00004.

Submissions (3):

Ambry Genetics
Classification: Likely benign for Cardiovascular phenotype. Last evaluated: 2025-05-18. Review status: criteria provided, single submitter. Criteria: Ambry Variant Classification Scheme 2023. Collection method: clinical testing. Allele origin: germline.

Labcorp Genetics (formerly Invitae), Labcorp
Classification: Uncertain significance for Long QT syndrome. Last evaluated: 2024-09-16. Review status: criteria provided, single submitter. Criteria: Invitae Variant Classification Sherloc (09022015). Collection method: clinical testing. Allele origin: germline.
Comment: This sequence change replaces proline, which is neutral and non-polar, with threonine, which is neutral and polar, at codon 154 of the AKAP9 protein (p.Pro154Thr). The frequency data for this variant in the population databases is considered unreliable, as metrics indicate poor data quality at this position in the gnomAD database. This variant has not been reported in the literature in individuals affected with AKAP9-related conditions. ClinVar contains an entry for this variant (Variation ID: 617971). An algorithm developed to predict the effect of missense changes on protein structure and function (PolyPhen-2) suggests that this variant is likely to be tolerated. In summary, the available evidence is currently insufficient to determine the role of this variant in disease. Therefore, it has been classified as a Variant of Uncertain Significance.

ARUP Laboratories, Molecular Genetics and Genomics, ARUP Laboratories
Classification: Uncertain significance. Last evaluated: 2017-06-23. Review status: criteria provided, single submitter. Criteria: ARUP Molecular Germline Variant Investigation Process. Collection method: clinical testing. Allele origin: germline.
Comment: The p.Pro154Thr variant (rs746612786) has not been reported in the medical literature, gene specific variation databases, nor has it been previously identified by our laboratory. This variant is listed in the Exome Aggregation Consortium Browser with an overall population frequency of 0.004 percent (identified on 5 out of 121,212 chromosomes). The proline at position 154 is weakly conserved (Alamut v2.9.0) and computational analyses of the effects of the p.Pro154Thr variant on protein structure and function indicating neutral effect (SIFT: tolerant, MutationTaster: polymorphism, PolyPhen-2: benign). Altogether, there is not enough evidence to classify the p.Pro154Thr variant with certainty.

NM_005751.5(AKAP9):c.460C>A (p.Pro154Thr)

Gene: AKAP9 (A-kinase anchoring protein 9; plus strand). Cytogenetic location: 7q21.2.
Variant type: single nucleotide variant.
Coding change: c.460C>A on transcript NM_005751.5 (MANE Select); coding-DNA position 460, C replaced by A.
Protein change: p.Pro154Thr; replaces proline 154 with threonine.
Molecular consequence: missense variant.
Genome position (GRCh38, 1-based): chr7:91,992,939, C>A. VCF-style: chr7-91992939-C-A. GRCh37 (hg19) VCF-style: chr7-91622253-C-A.
Other names: c.460C>A, p.Pro154Thr (NM_147185.3); short protein forms P154T.
Identifiers: ClinVar variation 617971 (VCV000617971.20), dbSNP rs746612786, ClinGen allele CA4335821.